The following is an entry in ClinVar:

ClinVar aggregate classification (germline): Uncertain significance (1 of 4 stars; one submission).

Conditions:
Malignant hyperthermia of anesthesia. Also called: Anesthesic-triggered malignant hyperthermia. Identifiers: Orphanet 423, MedGen C0024591, MONDO:0018493, HP:0034733.

Allele frequency attached by ClinVar (database versions not stated): gnomAD 0.00002; gnomAD exomes 0.00002 and 0.00003; TOPMed 0.00002; ExAC 0.00005.
gnomAD v4.1: 28 of 1,613,038 alleles (0.0017%); highest among the groups gnomAD compares: African/African-American, 0.0067%; no homozygotes.

Submission:

Molecular Genetics, Royal Melbourne Hospital
Classification: Uncertain significance for Malignant hyperthermia of anesthesia. Last evaluated: 2021-02-26. Review status: criteria provided, single submitter. Criteria: ACMG Guidelines, 2015. Collection method: clinical testing. Allele origin: germline. Affected: yes.
Comment: This sequence change is predicted to replace arginine with histidine at codon 722 of the TRPV1 protein (p.(Arg722His)). The arginine residue is highly conserved (100 vertebrates, UCSC), and is located in the ion transport domain. There is a small physicochemical difference between arginine and histidine. The variant is present in a large population cohort at a frequency of 0.003% (rs771123129, 9/278,882 alleles, 0 homozygotes in gnomAD v2.1), with a frequency of 0.009% in the Latino/admixed American population (3/35,164 alleles in gnomAD v2.1). The variant has not been reported in the relevant medical literature or databases. Multiple lines of computational evidence predict a deleterious effect for the missense substitution (4/4 algorithms). Based on the classification scheme RMH Modified ACMG Guidelines v1.3.1, this variant is classified as a VARIANT OF UNCERTAIN SIGNIFICANCE. Following criteria are met: PP3.

NM_080704.4(TRPV1):c.2165G>A (p.Arg722His)

Gene: TRPV1 (transient receptor potential cation channel subfamily V member 1; minus strand). Cytogenetic location: 17p13.2.
Variant type: single nucleotide variant.
Coding change: c.2165G>A on transcript NM_080704.4 (MANE Select); coding-DNA position 2165, G replaced by A.
Protein change: p.Arg722His; replaces arginine 722 with histidine.
Molecular consequence: missense variant.
Genome position (GRCh38, 1-based): chr17:3,572,188, C>T on the plus strand (G>A on the coding strand, the complement: TRPV1 is on the minus strand). VCF-style: chr17-3572188-C-T. GRCh37 (hg19) VCF-style: chr17-3475482-C-T.
Other names: c.2165G>A, p.Arg722His (NM_018727.5, NM_080705.4, NM_080706.3); short protein forms R722H.
Identifiers: ClinVar variation 1678638 (VCV001678638.2), dbSNP rs771123129, ClinGen allele CA8290187.